The following is an entry in ClinVar:

NM_014339.7(IL17RA):c.2587G>A (p.Gly863Arg)

Gene: IL17RA (interleukin 17 receptor A; plus strand). Cytogenetic location: 22q11.1.
Variant type: single nucleotide variant.
Coding change: c.2587G>A on transcript NM_014339.7 (MANE Select); coding-DNA position 2587, G replaced by A.
Protein change: p.Gly863Arg; replaces glycine 863 with arginine.
Molecular consequence: missense variant.
Genome position (GRCh38, 1-based): chr22:17,109,806, G>A. VCF-style: chr22-17109806-G-A. GRCh37 (hg19) VCF-style: chr22-17590696-G-A.
Other names: c.2485G>A, p.Gly829Arg (NM_001289905.2); c.2587G>A (NM_014339.5); short protein forms G829R, G863R.
Identifiers: ClinVar variation 863451 (VCV000863451.7), dbSNP rs778995730, ClinGen allele CA10087017.
Genomic context (GRCh38, chr22:17,109,806, plus strand): 5'-CTGCTTTTCCGCCAGCTGCAGAAGAACTCGGGCTGGGACACGATGGGGTCAGAGTCAGAG[G>A]GGCCCAGTGCATGAGGGCGGCTCCCCAGGGACCGCCCAGATCCCAGCTTTGAGAGAGGAG-3'
Protein context (NP_055154.3, residues 853-866): GWDTMGSESE[Gly863Arg]PSA

ClinVar aggregate classification (germline): Conflicting classifications of pathogenicity. Review status: criteria provided, conflicting classifications (1 of 4 stars). 2 submissions from 2 submitters: Uncertain significance (1); Likely benign (1). Last evaluated 2024-12-09.

Conditions:
Immunodeficiency 51 (IMD51). Also called: CANDIDIASIS, FAMILIAL, 5. Identifiers: Orphanet 1334, MedGen C4310803, MONDO:0013500, OMIM 613953.

Allele frequency attached by ClinVar (database versions not stated): gnomAD exomes 0.00002 and 0.00004; ExAC 0.00008; 1000 Genomes Project 30x 0.00016; gnomAD 0.00026 and 0.00029; TOPMed 0.00031.
gnomAD v4.1: 78 of 1,549,760 alleles (0.005%); highest among the groups gnomAD compares: African/African-American, 0.087%; no homozygotes.

Submissions (2):

Labcorp Genetics (formerly Invitae), Labcorp
Classification: Uncertain significance for Immunodeficiency 51. Last evaluated: 2024-12-09. Review status: criteria provided, single submitter. Criteria: Invitae Variant Classification Sherloc (09022015). Collection method: clinical testing. Allele origin: germline.
Comment: This sequence change replaces glycine, which is neutral and non-polar, with arginine, which is basic and polar, at codon 863 of the IL17RA protein (p.Gly863Arg). This variant is present in population databases (rs778995730, gnomAD 0.07%). This variant has not been reported in the literature in individuals affected with IL17RA-related conditions. ClinVar contains an entry for this variant (Variation ID: 863451). An algorithm developed to predict the effect of missense changes on protein structure and function outputs the following: PolyPhen-2: "Benign". The arginine amino acid residue is found in multiple mammalian species, which suggests that this missense change does not adversely affect protein function. In summary, the available evidence is currently insufficient to determine the role of this variant in disease. Therefore, it has been classified as a Variant of Uncertain Significance.

Ambry Genetics
Classification: Likely benign. Last evaluated: 2023-02-09. Review status: criteria provided, single submitter. Criteria: Ambry Variant Classification Scheme 2023. Collection method: clinical testing. Allele origin: germline.